The following is an entry in ClinVar:

ClinVar aggregate classification (germline): Uncertain significance (1 of 4 stars; one submission).

Submission:

Mayo Clinic Laboratories, Mayo Clinic
Classification: Uncertain significance. Last evaluated: 2023-02-23. Review status: criteria provided, single submitter. Criteria: ACMG Guidelines, 2015. Collection method: clinical testing. Allele origin: germline. Observed: 1 variant allele.
Comment: PM2

NM_022089.4(ATP13A2):c.1345C>G (p.Arg449Gly)

Gene: ATP13A2 (ATPase cation transporting 13A2; minus strand). Cytogenetic location: 1p36.13.
Variant type: single nucleotide variant.
Coding change: c.1345C>G on transcript NM_022089.4 (MANE Select); coding-DNA position 1345, C replaced by G.
Protein change: p.Arg449Gly; replaces arginine 449 with glycine.
Molecular consequence: missense variant.
Genome position (GRCh38, 1-based): chr1:16,996,262, G>C on the plus strand (C>G on the coding strand, the complement: ATP13A2 is on the minus strand). VCF-style: chr1-16996262-G-C. GRCh37 (hg19) VCF-style: chr1-17322757-G-C.
Other names: p.Arg449Gly; c.1330C>G, p.Arg444Gly (NM_001141973.3, NM_001141974.3); short protein forms R444G, R449G.
Identifiers: ClinVar variation 2683702 (VCV002683702.1), dbSNP rs1057519293, ClinGen allele CA338253127.